The following is an entry in ClinVar:

NM_001145252.3(CFP):c.209G>A (p.Gly70Glu)

Gene: CFP (complement factor properdin; minus strand). Cytogenetic location: Xp11.23.
Variant type: single nucleotide variant.
Coding change: c.209G>A on transcript NM_001145252.3 (MANE Select); coding-DNA position 209, G replaced by A.
Protein change: p.Gly70Glu; replaces glycine 70 with glutamic acid.
Molecular consequence: missense variant.
Genome position (GRCh38, 1-based): chrX:47,629,542, C>T on the plus strand (G>A on the coding strand, the complement: CFP is on the minus strand). VCF-style: chrX-47629542-C-T. GRCh37 (hg19) VCF-style: chrX-47488941-C-T.
Other names: c.209G>A, p.Gly70Glu (NM_002621.2); short protein forms G70E.
Identifiers: ClinVar variation 2072280 (VCV002072280.4), dbSNP rs1030100218, ClinGen allele CA329072338.

ClinVar aggregate classification (germline): Uncertain significance (1 of 4 stars; one submission).

Allele frequency attached by ClinVar (database versions not stated): gnomAD 0.00004; TOPMed 0.00006; gnomAD exomes 0.00009.
gnomAD v4.1: 97 of 1,163,589 alleles (0.0083%); highest among the groups gnomAD compares: Non-Finnish European, 0.011%; no homozygotes.

Submission:

Labcorp Genetics (formerly Invitae), Labcorp
Classification: Uncertain significance. Last evaluated: 2026-02-01. Review status: criteria provided, single submitter. Criteria: Invitae Variant Classification Sherloc (09022015). Collection method: clinical testing. Allele origin: germline.
Comment: This sequence change replaces glycine, which is neutral and non-polar, with glutamic acid, which is acidic and polar, at codon 70 of the CFP protein (p.Gly70Glu). The frequency data for this variant in the population databases is considered unreliable, as metrics indicate poor data quality at this position in the gnomAD database. This variant has not been reported in the literature in individuals affected with CFP-related conditions. ClinVar contains an entry for this variant (Variation ID: 2072280). An algorithm developed to predict the effect of missense changes on protein structure and function (PolyPhen-2) suggests that this variant is likely to be tolerated. Algorithms developed to predict the effect of sequence changes on RNA splicing suggest that this variant may disrupt the consensus splice site. In summary, the available evidence is currently insufficient to determine the role of this variant in disease. Therefore, it has been classified as a Variant of Uncertain Significance.